The following is an entry in ClinVar:

ClinVar aggregate classification (germline): Conflicting classifications of pathogenicity. Review status: criteria provided, conflicting classifications (1 of 4 stars). 3 submissions from 3 submitters: Uncertain significance (2); Benign (1). Last evaluated 2026-08-06.

Conditions:
CAMTA1-related disorder. Also called: CAMTA1-related condition.
Epilepsy. Also called: Seizure disorder. Identifiers: MedGen C0014544, MeSH D004827, MONDO:0005027.
Cerebellar dysfunction with variable cognitive and behavioral abnormalities (CECBA). Also called: Nonprogressive cerebellar atxia with intellectual disability. Identifiers: Orphanet 314647, MedGen C3553661, MONDO:0013886, OMIM 614756.

Allele frequency attached by ClinVar (database versions not stated): ExAC 0.00002; TOPMed 0.00009; gnomAD 0.00005; ESP Exome Variant Server 0.00008; 1000 Genomes Project 30x 0.00016; gnomAD exomes 0.00005; 1000 Genomes Project 0.00020.
gnomAD v4.1: 88 of 1,614,120 alleles (0.0055%); highest among the groups gnomAD compares: Middle Eastern, 0.016%; no homozygotes.

Submissions (3):

OLLIN Analises Genomicas, OLLIN
Classification: Uncertain significance for Cerebellar dysfunction with variable cognitive and behavioral abnormalities. Last evaluated: 2026-08-06. Review status: criteria provided, single submitter. Criteria: ACMG Guidelines 2015 PMID 25741868. Collection method: clinical testing. Allele origin: germline. Inheritance: Autosomal dominant inheritance.
Comment: This missense variant, located in exon 9 (of 23), has been reported in ClinVar (accession VCV002636808.2) and in gnomAD with an allele frequency of 0.0055%. However, to our knowledge, it has not been reported in the scientific literature. In silico analysis predicts that this variant has a tolerated effect. According to the currently available evidence, this variant has been classified as uncertain significance (BP4).

PreventionGenetics, part of Exact Sciences
Classification: Uncertain significance for CAMTA1-related condition. Last evaluated: 2023-07-18. Review status: criteria provided, single submitter. Criteria: ACMG Guidelines, 2015. Collection method: clinical testing. Allele origin: germline.
Comment: The CAMTA1 c.1079T>G variant is predicted to result in the amino acid substitution p.Val360Gly. To our knowledge, this variant has not been reported in the literature. This variant is reported in 0.0088% of alleles in individuals of European (Non-Finnish) descent in gnomAD. At this time, the clinical significance of this variant is uncertain due to the absence of conclusive functional and genetic evidence.

Cambridge Genomics Laboratory, East Genomic Laboratory Hub, NHS Genomic Medicine Service
Classification: Benign for Epilepsy. Last evaluated: 2020-05-14. Review status: criteria provided, single submitter. Criteria: ACGS Best Practice Guidelines for Variant Classification in Rare Disease 2020. Collection method: clinical testing. Allele origin: germline. Affected: yes. Observed: 1 variant allele.

NM_015215.4(CAMTA1):c.1079T>G (p.Val360Gly)

Gene: CAMTA1 (calmodulin binding transcription activator 1; plus strand). Cytogenetic location: 1p36.23.
Variant type: single nucleotide variant.
Coding change: c.1079T>G on transcript NM_015215.4 (MANE Select); coding-DNA position 1079, T replaced by G.
Protein change: p.Val360Gly; replaces valine 360 with glycine.
Molecular consequence: missense variant.
Genome position (GRCh38, 1-based): chr1:7,663,626, T>G. VCF-style: chr1-7663626-T-G. GRCh37 (hg19) VCF-style: chr1-7723686-T-G.
Other names: c.989T>G, p.Val330Gly (NM_001349608.2, NM_001349612.2); c.1079T>G, p.Val360Gly (NM_001349609.2, NM_001349610.2, NM_001410737.1); c.1007T>G, p.Val336Gly (NM_001410738.1); short protein forms V330G, V336G, V360G.
Identifiers: ClinVar variation 2636808 (VCV002636808.3), dbSNP rs143630062, ClinGen allele CA566362.